The following is an entry in ClinVar:

ClinVar aggregate classification (germline): Uncertain significance (1 of 4 stars; one submission).

Submission:

Labcorp Genetics (formerly Invitae), Labcorp
Classification: Uncertain significance. Last evaluated: 2024-11-05. Review status: criteria provided, single submitter. Criteria: Invitae Variant Classification Sherloc (09022015). Collection method: clinical testing. Allele origin: germline.
Comment: This sequence change replaces isoleucine, which is neutral and non-polar, with threonine, which is neutral and polar, at codon 334 of the HUWE1 protein (p.Ile334Thr). This variant is not present in population databases (gnomAD no frequency). This variant has not been reported in the literature in individuals affected with HUWE1-related conditions. Invitae Evidence Modeling of protein sequence and biophysical properties (such as structural, functional, and spatial information, amino acid conservation, physicochemical variation, residue mobility, and thermodynamic stability) has been performed for this missense variant. However, the output from this modeling did not meet the statistical confidence thresholds required to predict the impact of this variant on HUWE1 protein function. In summary, the available evidence is currently insufficient to determine the role of this variant in disease. Therefore, it has been classified as a Variant of Uncertain Significance.

NM_031407.7(HUWE1):c.1001T>C (p.Ile334Thr)

Gene: HUWE1 (HECT, UBA and WWE domain containing E3 ubiquitin protein ligase 1; minus strand). Cytogenetic location: Xp11.22.
Variant type: single nucleotide variant.
Coding change: c.1001T>C on transcript NM_031407.7 (MANE Select); coding-DNA position 1001, T replaced by C.
Protein change: p.Ile334Thr; replaces isoleucine 334 with threonine.
Molecular consequence: missense variant.
Genome position (GRCh38, 1-based): chrX:53,628,865, A>G on the plus strand (T>C on the coding strand, the complement: HUWE1 is on the minus strand). VCF-style: chrX-53628865-A-G. GRCh37 (hg19) VCF-style: chrX-53655816-A-G.
Other names: short protein forms I334T.
Identifiers: ClinVar variation 3634937 (VCV003634937.2).